The following is an entry in ClinVar:

NM_001329943.3(KIAA0586):c.2536del (p.Val846fs)

Gene: KIAA0586 (KIAA0586; plus strand). Cytogenetic location: 14q23.1.
Variant type: Deletion.
Coding change: c.2536del on transcript NM_001329943.3 (MANE Select); coding-DNA position 2536, one base deleted (G; older notation c.2536delG).
Protein change: p.Val846fs; shifts the reading frame from valine 846.
Molecular consequence: frameshift variant.
Genome position (GRCh38, 1-based): chr14:58,470,706, G deleted. VCF-style (leftmost placement, unchanged base first): chr14-58470705-TG-T. GRCh37 (hg19) VCF-style: chr14-58937423-TG-T.
Other names: c.2695del, p.Val899fs (NM_001244189.2); c.2491del, p.Val831fs (NM_001244190.2); c.2281del, p.Val761fs (NM_001244191.2, NM_001329945.2, NM_001364700.1 and 1 more transcripts); c.2404del, p.Val802fs (NM_001244192.2); c.2116del, p.Val706fs (NM_001244193.2); c.2536del, p.Val846fs (NM_001329944.2, NM_001329946.2, NM_001329947.2); c.2308del, p.Val770fs (NM_014749.5); short protein forms V706fs, V761fs, V770fs, V802fs, V831fs, V846fs, V899fs.
Identifiers: ClinVar variation 1175094 (VCV001175094.12), dbSNP rs1307758243, ClinGen allele CA614352903.
Genomic context (GRCh38, chr14:58,470,705, plus strand): 5'-AAATAGTAGTGCTGATGTCCTTTCACCTCTGTCTAGCCCCAAAGAAGCATCTCTTCCTCC[TG>T]TGCAAACTTGGATAAAGGTATATTTCAGAATTTTATCATATTATTTTGAGTAATGTCTGA-3'

ClinVar aggregate classification (germline): Pathogenic/Likely pathogenic. Review status: criteria provided, multiple submitters, no conflicts (2 of 4 stars). 5 submissions from 5 submitters: Pathogenic (1); Likely pathogenic (2). 2 of the submissions do not count toward it. Last evaluated 2025-05-13.

Conditions:
KIAA0586-related disorder. Also called: KIAA0586- Related disorders; KIAA0586-related condition.
Autosomal recessive KIAA0586-related disorders.
Joubert syndrome 23 (JBTS23). Identifiers: Orphanet 475, MedGen C4084822, MONDO:0014664, OMIM 616490.
Short-rib thoracic dysplasia 14 with polydactyly (SRTD14). Identifiers: Orphanet 397715, MedGen C4225286, MONDO:0014688, OMIM 616546.

Allele frequency attached by ClinVar (database versions not stated): gnomAD exomes 0.00001; TOPMed 0.00002; gnomAD 0.00003.

Submissions (5):

Variantyx, Inc.
Classification: Likely pathogenic for Autosomal recessive KIAA0586-related disorders. Last evaluated: 2025-05-13. Review status: criteria provided, single submitter. Criteria: Variantyx Assertion Criteria 2022. Collection method: clinical testing. Allele origin: germline. Inheritance: Autosomal recessive inheritance. Affected: no.
Comment: This is a frameshift variant in the KIAA0586 gene (OMIM: 610178). Pathogenic variants in this gene have been associated with autosomal recessive KIAA0586-related disorders. This variant introduces a premature termination codon in exon 17 out of 31 and is expected to result in loss of function, which is a known disease mechanism for KIAA0586 in this disorder (PVS1) (PMID:26096313;26166481;26386044;26386044). This variant has a 0.0011% maximum allele frequency in non-founder control populations (PM2). Based on the current evidence, this variant is classified as likely pathogenic for autosomal recessive KIAA0586-related disorders.

Labcorp Genetics (formerly Invitae), Labcorp
Classification: Pathogenic for Joubert syndrome 23; Short-rib thoracic dysplasia 14 with polydactyly. Last evaluated: 2024-03-21. Review status: criteria provided, single submitter. Criteria: Invitae Variant Classification Sherloc (09022015). Collection method: clinical testing. Allele origin: germline.
Comment: This sequence change creates a premature translational stop signal (p.Val899Cysfs*5) in the KIAA0586 gene. It is expected to result in an absent or disrupted protein product. Loss-of-function variants in KIAA0586 are known to be pathogenic (PMID: 26096313, 26166481, 26386044). This variant is present in population databases (no rsID available, gnomAD 0.002%). This variant has not been reported in the literature in individuals affected with KIAA0586-related conditions. ClinVar contains an entry for this variant (Variation ID: 1175094). For these reasons, this variant has been classified as Pathogenic.

Blueprint Genetics
Classification: Likely pathogenic for KIAA0586-related disorders. Last evaluated: 2021-08-05. Review status: criteria provided, single submitter. Criteria: ACMG Guidelines, 2015. Collection method: clinical testing. Allele origin: germline. Affected: yes. Observed: 4 variant alleles.

Diagnostic Laboratory, Department of Genetics, University Medical Center Groningen
Classification: Pathogenic. Review status: no assertion criteria provided. Collection method: clinical testing. Allele origin: germline. Affected: yes. Study: VKGL Data-share Consensus. Not counted in ClinVar's aggregate classification.

Genome Diagnostics Laboratory, University Medical Center Utrecht
Classification: Pathogenic. Review status: no assertion criteria provided. Collection method: clinical testing. Allele origin: germline. Affected: yes. Study: VKGL Data-share Consensus. Not counted in ClinVar's aggregate classification.

Literature cited by the submitters: PubMed 26096313 (cited by Variantyx, Inc. and Labcorp Genetics (formerly Invitae), Labcorp); PubMed 26166481 (cited by Variantyx, Inc. and Labcorp Genetics (formerly Invitae), Labcorp); PubMed 26386044 (cited by Variantyx, Inc. and Labcorp Genetics (formerly Invitae), Labcorp).